The following is an entry in ClinVar:

NM_018993.4(RIN2):c.1258C>G (p.Pro420Ala)

Gene: RIN2 (Ras and Rab interactor 2; plus strand). Cytogenetic location: 20p11.23.
Variant type: single nucleotide variant.
Coding change: c.1258C>G on transcript NM_018993.4 (MANE Select); coding-DNA position 1258, C replaced by G.
Protein change: p.Pro420Ala; replaces proline 420 with alanine.
Molecular consequence: missense variant.
Genome position (GRCh38, 1-based): chr20:19,975,283, C>G. VCF-style: chr20-19975283-C-G. GRCh37 (hg19) VCF-style: chr20-19955927-C-G.
Other names: c.1405C>G, p.Pro469Ala (NM_001242581.2); c.640C>G, p.Pro214Ala (NM_001378238.1); short protein forms P214A, P420A, P469A.
Identifiers: ClinVar variation 2577566 (VCV002577566.1), dbSNP rs778191192, ClinGen allele CA9780048.

ClinVar aggregate classification (germline): Uncertain significance (1 of 4 stars; one submission).

Allele frequency attached by ClinVar (database versions not stated): TOPMed below 0.00001.
gnomAD v4.1: 3 of 1,598,496 alleles (0.00019%); no homozygotes.

Submission:

GeneDx
Classification: Uncertain significance. Last evaluated: 2023-02-27. Review status: criteria provided, single submitter. Criteria: GeneDx Variant Classification Process June 2021. Collection method: clinical testing. Allele origin: germline. Affected: yes.
Comment: Not observed at significant frequency in large population cohorts (gnomAD); In silico analysis supports that this missense variant does not alter protein structure/function; Has not been previously published as pathogenic or benign to our knowledge